The following is an entry in ClinVar:

ClinVar aggregate classification (germline): Benign. Review status: criteria provided, single submitter (1 of 4 stars). 2 submissions from 2 submitters: Benign (1). 1 of the submissions does not count toward it. Last evaluated 2026-02-01.

Conditions:
UNC45A-related disorder. Also called: UNC45A-related condition.

Allele frequency attached by ClinVar (database versions not stated): gnomAD exomes 0.00013 and 0.00043; ExAC 0.00054; ESP Exome Variant Server 0.00146; 1000 Genomes Project 0.00160; gnomAD 0.00163 and 0.00177; TOPMed 0.00181; 1000 Genomes Project 30x 0.00187.
gnomAD v4.1: 454 of 1,612,346 alleles (0.028%); highest among the groups gnomAD compares: African/African-American, 0.53%; no homozygotes.

Submissions (2):

Labcorp Genetics (formerly Invitae), Labcorp
Classification: Benign. Last evaluated: 2026-02-01. Review status: criteria provided, single submitter. Criteria: Invitae Variant Classification Sherloc (09022015). Collection method: clinical testing. Allele origin: germline.

PreventionGenetics, part of Exact Sciences
Classification: Likely benign for UNC45A-related condition. Last evaluated: 2024-01-12. Review status: no assertion criteria provided. Collection method: clinical testing. Allele origin: germline. Not counted in ClinVar's aggregate classification.
Comment: This variant is classified as likely benign based on ACMG/AMP sequence variant interpretation guidelines (Richards et al. 2015 PMID: 25741868, with internal and published modifications).

NM_018671.5(UNC45A):c.1890C>T (p.Ser630=)

Gene: UNC45A (unc-45 myosin chaperone A; plus strand). Cytogenetic location: 15q26.1.
Variant type: single nucleotide variant.
Coding change: c.1890C>T on transcript NM_018671.5 (MANE Select); coding-DNA position 1890, C replaced by T.
Protein change: p.Ser630=; no amino-acid change (serine 630 retained).
Molecular consequence: synonymous variant.
Genome position (GRCh38, 1-based): chr15:90,949,327, C>T. VCF-style: chr15-90949327-C-T. GRCh37 (hg19) VCF-style: chr15-91492557-C-T.
Other names: c.1845C>T, p.Ser615= (NM_001039675.2, NM_001323621.2); c.1890C>T, p.Ser630= (NM_001323619.1); c.1455C>T, p.Ser485= (NM_001323620.2).
Identifiers: ClinVar variation 1600133 (VCV001600133.10), dbSNP rs115431400, ClinGen allele CA7743111.